The following is an entry in ClinVar:

NM_000301.5(PLG):c.1250C>A (p.Pro417Gln)

Gene: PLG (plasminogen; plus strand). Cytogenetic location: 6q26.
Variant type: single nucleotide variant.
Coding change: c.1250C>A on transcript NM_000301.5 (MANE Select); coding-DNA position 1250, C replaced by A.
Protein change: p.Pro417Gln; replaces proline 417 with glutamine.
Molecular consequence: missense variant.
Genome position (GRCh38, 1-based): chr6:160,722,561, C>A. VCF-style: chr6-160722561-C-A. GRCh37 (hg19) VCF-style: chr6-161143593-C-A.
Other names: short protein forms P417Q.
Identifiers: ClinVar variation 4811421 (VCV004811421.1).

ClinVar aggregate classification (germline): Uncertain significance (1 of 4 stars; one submission).

Submission:

Labcorp Genetics (formerly Invitae), Labcorp
Classification: Uncertain significance. Last evaluated: 2025-10-24. Review status: criteria provided, single submitter. Criteria: Invitae Variant Classification Sherloc (09022015). Collection method: clinical testing. Allele origin: germline.
Comment: This sequence change replaces proline, which is neutral and non-polar, with glutamine, which is neutral and polar, at codon 417 of the PLG protein (p.Pro417Gln). This variant is not present in population databases (gnomAD no frequency). This variant has not been reported in the literature in individuals affected with PLG-related conditions. Invitae Evidence Modeling of protein sequence and biophysical properties (such as structural, functional, and spatial information, amino acid conservation, physicochemical variation, residue mobility, and thermodynamic stability) indicates that this missense variant is not expected to disrupt PLG protein function with a negative predictive value of 80%. In summary, the available evidence is currently insufficient to determine the role of this variant in disease. Therefore, it has been classified as a Variant of Uncertain Significance.